The following is an entry in ClinVar:

ClinVar aggregate classification (germline): Uncertain significance (1 of 4 stars; one submission).

Conditions:
Hypertrophic cardiomyopathy 1 (CMH1). Also called: MYH7-Related Familial Hypertrophic Cardiomyopathy; Familial hypertrophic cardiomyopathy 1. Identifiers: MedGen C3495498, MONDO:0008647, OMIM 192600.

Submission:

Labcorp Genetics (formerly Invitae), Labcorp
Classification: Uncertain significance for Hypertrophic cardiomyopathy 1. Last evaluated: 2022-02-19. Review status: criteria provided, single submitter. Criteria: Invitae Variant Classification Sherloc (09022015). Collection method: clinical testing. Allele origin: germline.
Comment: This variant has not been reported in the literature in individuals affected with MYLK2-related conditions. This variant is not present in population databases (gnomAD no frequency). This sequence change replaces aspartic acid, which is acidic and polar, with glutamic acid, which is acidic and polar, at codon 502 of the MYLK2 protein (p.Asp502Glu). Algorithms developed to predict the effect of missense changes on protein structure and function are either unavailable or do not agree on the potential impact of this missense change (SIFT: "Tolerated"; PolyPhen-2: "Probably Damaging"; Align-GVGD: "Class C0"). In summary, the available evidence is currently insufficient to determine the role of this variant in disease. Therefore, it has been classified as a Variant of Uncertain Significance. Algorithms developed to predict the effect of sequence changes on RNA splicing suggest that this variant may create or strengthen a splice site.

NM_033118.4(MYLK2):c.1506T>A (p.Asp502Glu)

Gene: MYLK2 (myosin light chain kinase 2; plus strand). Cytogenetic location: 20q11.21.
Variant type: single nucleotide variant.
Coding change: c.1506T>A on transcript NM_033118.4 (MANE Select); coding-DNA position 1506, T replaced by A.
Protein change: p.Asp502Glu; replaces aspartic acid 502 with glutamic acid.
Molecular consequence: missense variant.
Genome position (GRCh38, 1-based): chr20:31,831,784, T>A. VCF-style: chr20-31831784-T-A. GRCh37 (hg19) VCF-style: chr20-30419587-T-A.
Other names: short protein forms D502E.
Identifiers: ClinVar variation 1501971 (VCV001501971.6), dbSNP rs2123140854, ClinGen allele CA408528046.